The following is an entry in ClinVar:

NM_000094.4(COL7A1):c.6388G>A (p.Asp2130Asn)

Gene: COL7A1 (collagen type VII alpha 1 chain; minus strand). Cytogenetic location: 3p21.31.
Variant type: single nucleotide variant.
Coding change: c.6388G>A on transcript NM_000094.4 (MANE Select); coding-DNA position 6388, G replaced by A.
Protein change: p.Asp2130Asn; replaces aspartic acid 2130 with asparagine.
Molecular consequence: missense variant.
Genome position (GRCh38, 1-based): chr3:48,574,682, C>T on the plus strand (G>A on the coding strand, the complement: COL7A1 is on the minus strand). VCF-style: chr3-48574682-C-T. GRCh37 (hg19) VCF-style: chr3-48612115-C-T.
Other names: c.6388G>A (NM_000094.3); short protein forms D2130N.
Identifiers: ClinVar variation 1394203 (VCV001394203.10), dbSNP rs375909549, ClinGen allele CA2379083.

ClinVar aggregate classification (germline): Conflicting classifications of pathogenicity. Review status: criteria provided, conflicting classifications (1 of 4 stars). 3 submissions from 3 submitters: Uncertain significance (2); Benign (1). Last evaluated 2025-02-11.

Conditions:
Inborn genetic diseases. Identifiers: MedGen C0950123, MeSH D030342.

Allele frequency attached by ClinVar (database versions not stated): gnomAD exomes 0.00001 and 0.00003; ExAC 0.00003; gnomAD 0.00008 and 0.00009; TOPMed 0.00012; ESP Exome Variant Server 0.00023.
gnomAD v4.1: 29 of 1,613,852 alleles (0.0018%); highest among the groups gnomAD compares: African/African-American, 0.027%; no homozygotes.

Submissions (3):

GeneDx
Classification: Uncertain significance. Last evaluated: 2025-02-11. Review status: criteria provided, single submitter. Criteria: GeneDx Variant Classification Process June 2021. Collection method: clinical testing. Allele origin: germline. Affected: yes.
Comment: Has not been previously published as pathogenic or benign to our knowledge; In silico analysis indicates that this missense variant does not alter protein structure/function

Labcorp Genetics (formerly Invitae), Labcorp
Classification: Benign. Last evaluated: 2024-09-06. Review status: criteria provided, single submitter. Criteria: Invitae Variant Classification Sherloc (09022015). Collection method: clinical testing. Allele origin: germline.

Ambry Genetics
Classification: Uncertain significance for Inborn genetic diseases. Last evaluated: 2022-10-06. Review status: criteria provided, single submitter. Criteria: Ambry Variant Classification Scheme 2023. Collection method: clinical testing. Allele origin: germline.